The following is an entry in ClinVar:

ClinVar aggregate classification (germline): Pathogenic. Review status: criteria provided, multiple submitters, no conflicts (2 of 4 stars). 6 submissions from 6 submitters: Pathogenic (5). 1 of the submissions does not count toward it. Last evaluated 2025-07-21.

Conditions:
Cardiovascular phenotype. Identifiers: MedGen CN230736.
Hypertrophic cardiomyopathy 4. Also called: Familial hypertrophic cardiomyopathy 4. Identifiers: MedGen C1861862, MONDO:0007268, OMIM 115197.
Hypertrophic cardiomyopathy. Also called: HYPERTROPHIC MYOCARDIOPATHY. Identifiers: Orphanet 217569, MedGen C0007194, MeSH D002312, MONDO:0005045, HP:0001639.

Submissions (6):

Labcorp Genetics (formerly Invitae), Labcorp
Classification: Pathogenic for Hypertrophic cardiomyopathy. Last evaluated: 2025-07-21. Review status: criteria provided, single submitter. Criteria: Invitae Variant Classification Sherloc (09022015). Collection method: clinical testing. Allele origin: germline.
Comment: This sequence change affects a donor splice site in intron 31 of the MYBPC3 gene. It is expected to disrupt RNA splicing. Variants that disrupt the donor or acceptor splice site typically lead to a loss of protein function (PMID: 16199547), and loss-of-function variants in MYBPC3 are known to be pathogenic (PMID: 19574547). This variant is not present in population databases (gnomAD no frequency). Disruption of this splice site has been observed in individual(s) with hypertrophic cardiomyopathy (PMID: 9218526, 27532257). It has also been observed to segregate with disease in related individuals. ClinVar contains an entry for this variant (Variation ID: 42715). Algorithms developed to predict the effect of sequence changes on RNA splicing suggest that this variant may disrupt the consensus splice site. For these reasons, this variant has been classified as Pathogenic.

Ambry Genetics
Classification: Pathogenic for Cardiovascular phenotype. Last evaluated: 2023-07-28. Review status: criteria provided, single submitter. Criteria: Ambry General Variant Classification Scheme_2022. Collection method: clinical testing. Allele origin: germline.
Comment: The c.3490+1G>A intronic pathogenic mutation results from a G to A substitution one nucleotide after coding exon 31 of the MYBPC3 gene. This variant has been detected in unrelated individuals with hypertrophic cardiomyopathy (HCM) and has been reported to segregate with HCM in families (Rottbauer W et al. J Clin Invest, 1997 Jul;100:475-82; Ross SB et al. Circ Cardiovasc Genet, 2017 Jun;10; Weissler-Snir A et al. Circ Cardiovasc Imaging, 2017 Feb;10; Walsh R et al. Genet Med, 2017 Feb;19:192-203;Chung H et al. J Cardiovasc Magn Reson, 2021 Mar;23:18; Burstein DS et al. Pediatr Res, 2021 May;89:1470-1476). RNA studies performed on samples from carriers of this variant have indicated that this variant results in exon skipping (Rottbauer W et al. J Clin Invest, 1997 Jul;100:475-82). This variant is considered to be rare based on population cohorts in the Genome Aggregation Database (gnomAD). This nucleotide position is highly conserved in available vertebrate species. In silico splice site analysis predicts that this alteration will weaken the native splice donor site and will result in the creation or strengthening of a novel splice donor site. In addition to the clinical data presented in the literature, alterations that disrupt the canonical splice site are expected to cause aberrant splicing, resulting in an abnormal protein or a transcript that is subject to nonsense-mediated mRNA decay. As such, this alteration is classified as a disease-causing mutation.

GeneDx
Classification: Pathogenic. Last evaluated: 2020-10-01. Review status: criteria provided, single submitter. Criteria: GeneDx Variant Classification Process June 2021. Collection method: clinical testing. Allele origin: germline. Affected: yes.
Comment: Published functional studies demonstrate abnormal gene splicing with exon skipping (Rottbauer et al., 1997); Reported in ClinVar as a pathogenic variant (ClinVar Variant ID# 42715; Landrum et al., 2016); Canonical splice site variant predicted to result in a null allele in a gene for which loss-of-function is a known mechanism of disease; Not observed in large population cohorts (Lek et al., 2016); This variant is associated with the following publications: (PMID: 28790153, 28193612, 27532257, 9218526)

Agnes Ginges Centre for Molecular Cardiology, Centenary Institute
Classification: Pathogenic for Hypertrophic cardiomyopathy 4. Last evaluated: 2017-12-13. Review status: criteria provided, single submitter. Criteria: ACMG Guidelines, 2015. Collection method: research. Allele origin: germline. Affected: yes.
Comment: MYBPC3 c.3490+1G>A has been previously reported in at least 4 HCM cases (Walsh R, et al., 2017; Weissler-Snir A, et al., 2017; Ehlermann P, et al., 2008; Rottbauer W, et al., 1997) and was found to segregate to multiple affected individuals in 2 families (Ehlermann P, et al., 2008; Rottbauer W, et al., 1997). The variant is absent in the Exome Aggregation Consortium dataset, as well as the Genome Aggregation Database. In silico tool MaxEntScan predicts that the variant will affect splicing. In summary, based on multiple reports in HCM cases, strong segregation in affected individuals, rarity of the variant in the general population and because MYBPC3 loss of function variants are an established cause of HCM, we classify MYBPC3 c.3490+1G>A as 'Pathogenic'.

Laboratory for Molecular Medicine, Mass General Brigham Personalized Medicine
Classification: Pathogenic for Hypertrophic cardiomyopathy. Last evaluated: 2012-09-10. Review status: criteria provided, single submitter. Criteria: LMM Criteria. Collection method: clinical testing. Allele origin: germline. Inheritance: Autosomal dominant inheritance. Observed: 2 variant alleles.
Comment: The 3490+1 G>A variant in MYBPC3 has been identified an individual with HCM, seg regated with disease in 4 affected relatives and was absent from 3 unaffected re latives as well as 500 control chromosomes (Rottbauer 1997). This variant occurs in the invariant region (+/- 1,2) of the splice consensus sequence and results in exon skipping, leading to a frameshift and premature termination codon (Rottb auer 1997), which is predicted to lead to an abnormal or absent protein. Loss of function of the MYBPC3 gene is an established mechanism of disease for HCM. In summary, this variant meets our criteria to be classified as pathogenic based upon the severe impact of the protein.

OMIM
Classification: Pathogenic for CARDIOMYOPATHY, FAMILIAL HYPERTROPHIC, 4. Last evaluated: 1997-07-15. Review status: no assertion criteria provided. Collection method: literature only. Allele origin: germline. Not counted in ClinVar's aggregate classification.

Literature cited by the submitters: PubMed 16199547 (cited by Labcorp Genetics (formerly Invitae), Labcorp); PubMed 19574547 (cited by Labcorp Genetics (formerly Invitae), Labcorp); PubMed 9218526 (cited by 5 submitters); PubMed 27532257 (cited by 3 submitters); PubMed 28193612 (cited by Ambry Genetics and Agnes Ginges Centre for Molecular Cardiology, Centenary Institute); PubMed 28615295 (cited by Ambry Genetics and Agnes Ginges Centre for Molecular Cardiology, Centenary Institute); PubMed 32746448 (cited by Ambry Genetics); PubMed 33500567 (cited by Ambry Genetics); PubMed 33658040 (cited by Ambry Genetics); PubMed 28790153 (cited by Agnes Ginges Centre for Molecular Cardiology, Centenary Institute); PubMed 18957093 (cited by Agnes Ginges Centre for Molecular Cardiology, Centenary Institute).

NM_000256.3(MYBPC3):c.3490+1G>A

Gene: MYBPC3 (myosin binding protein C3; minus strand). Cytogenetic location: 11p11.2.
Variant type: single nucleotide variant.
Coding change: c.3490+1G>A on transcript NM_000256.3 (MANE Select); the canonical splice donor site of the intron after coding-DNA position 3490, G replaced by A.
Molecular consequence: splice donor variant.
Genome position (GRCh38, 1-based): chr11:47,332,813, C>T on the plus strand (G>A on the coding strand, the complement: MYBPC3 is on the minus strand). VCF-style: chr11-47332813-C-T. GRCh37 (hg19) VCF-style: chr11-47354364-C-T.
Other names: IVS, G-A, +1.
Identifiers: ClinVar variation 42715 (VCV000042715.16), dbSNP rs397516020, ClinGen allele CA014233.